The following is an entry in ClinVar:

NM_000090.4(COL3A1):c.3873G>A (p.Lys1291=)

Gene: COL3A1 (collagen type III alpha 1 chain; plus strand). Cytogenetic location: 2q32.2.
Variant type: single nucleotide variant.
Coding change: c.3873G>A on transcript NM_000090.4 (MANE Select); coding-DNA position 3873, G replaced by A.
Protein change: p.Lys1291=; no amino-acid change (lysine 1291 retained).
Molecular consequence: synonymous variant.
Genome position (GRCh38, 1-based): chr2:189,010,227, G>A. VCF-style: chr2-189010227-G-A. GRCh37 (hg19) VCF-style: chr2-189874953-G-A.
Identifiers: ClinVar variation 918918 (VCV000918918.7), dbSNP rs1688690801, ClinGen allele CA430313920.

ClinVar aggregate classification (germline): Likely benign. Review status: criteria provided, multiple submitters, no conflicts (2 of 4 stars). 3 submissions from 3 submitters: Likely benign (3). Last evaluated 2024-01-11.

Conditions:
Familial thoracic aortic aneurysm and aortic dissection (TAAD). Also called: Thoracic aortic aneurysms and dissections. Identifiers: Orphanet 91387, MedGen C4707243, MONDO:0019625.
Ehlers-Danlos syndrome, type 4 (EDSVASC). Also called: Ehlers-Danlos Syndrome Type IV; Ehlers-Danlos syndrome vascular type; Ehlers Danlos syndrome, ecchymotic type; Ehlers Danlos syndrome, arterial type; Ehlers Danlos syndrome, Sack-Barabas type. Identifiers: Orphanet 286, MedGen C0268338, MONDO:0017314, OMIM 130050.

Submissions (3):

All of Us Research Program, National Institutes of Health
Classification: Likely benign for Ehlers-Danlos syndrome, type 4. Last evaluated: 2024-01-11. Review status: criteria provided, single submitter. Criteria: ACMG Guidelines, 2015. Collection method: clinical testing. Allele origin: germline. Inheritance: Autosomal dominant inheritance. Observed: 1 variant allele, 1 heterozygote.
Comment: This study involves interpretation of variants in research participants for the purpose of population health screening. Participant phenotype was not available at the time of variant classification. Additional details can be found in publication PMID: 35346344, PMCID: PMC8962531

Labcorp Genetics (formerly Invitae), Labcorp
Classification: Likely benign for Ehlers-Danlos syndrome, type 4. Last evaluated: 2019-03-27. Review status: criteria provided, single submitter. Criteria: Invitae Variant Classification Sherloc (09022015). Collection method: clinical testing. Allele origin: germline.

Color Diagnostics, LLC DBA Color Health
Classification: Likely benign for Familial thoracic aortic aneurysm and aortic dissection. Last evaluated: 2019-03-11. Review status: criteria provided, single submitter. Criteria: ACMG Guidelines, 2015. Collection method: clinical testing. Allele origin: germline.